The following is an entry in ClinVar:

ClinVar aggregate classification (germline): Uncertain significance (1 of 4 stars; one submission).

Conditions:
Familial cancer of breast. Also called: hereditary breast carcinoma; BREAST CANCER, FAMILIAL; Hereditary breast cancer. Identifiers: Orphanet 227535, MedGen C0346153, MONDO:0016419, OMIM 114480. Disease mechanism: loss of function.

Submission:

Division of Medical Genetics, University of Washington
Classification: Uncertain significance for Familial cancer of breast. Last evaluated: 2019-11-06. Review status: criteria provided, single submitter. Criteria: ACMG Guidelines, 2015. Collection method: clinical testing. Allele origin: germline. Affected: no. Study: CSER_CHARM.
Comment: To our knowledge, this sequence variant has not been previously reported in the literature. This variant is not present in the gnomAD databases. At this time, it is unknown whether or not this variant increases cancer risk; therefore, we interpret it as a variant of uncertain significance. PM2

NM_007194.4(CHEK2):c.1227CTG[1] (p.Cys410del)

Gene: CHEK2 (checkpoint kinase 2; minus strand). Cytogenetic location: 22q12.1.
Variant type: Microsatellite.
Coding change: c.1227CTG[1] on transcript NM_007194.4 (MANE Select); one copy of the 3-base unit CTG starting at c.1227; the reference has two copies in a row; one copy, 3 bases deleted.
Protein change: p.Cys410del; deletes cysteine 410.
Molecular consequence: inframe deletion. On other transcripts: inframe indel (4).
Genome position (GRCh38, 1-based): chr22:28,695,737-28,695,739, CAG deleted on the plus strand (CTG on the coding strand, the reverse complement: CHEK2 is on the minus strand); deleting any 3 consecutive bases within chr22:28,695,737-28,695,742 gives the same sequence; the position shown is the placement nearest the transcript's 3' end. VCF-style (leftmost placement, unchanged base first): chr22-28695736-CCAG-C. GRCh37 (hg19) VCF-style: chr22-29091724-CCAG-C.
Other names: c.1359_1361delCTG (NM_001005735.2); c.1356_1358CTG[1], p.Cys453del (NM_001005735.3); c.564_566CTG[1], p.Cys189del (NM_001257387.3); c.1026_1028CTG[1], p.Cys343del (NM_001349956.3); c.1140_1142CTG[1], p.Cys381del (NM_145862.3); short protein forms C189del, C343del, C381del, C410del, C453del.
Identifiers: ClinVar variation 978776 (VCV000978776.2), dbSNP rs2052551741, ClinGen allele CA2400238254.